The following is an entry in ClinVar:

ClinVar aggregate classification (germline): Uncertain significance (1 of 4 stars; one submission).

Conditions:
Encephalopathy, acute, infection-induced (herpes-specific), susceptibility to, 6. Also called: Herpes simplex encephalitis, susceptibility to, 4. Identifiers: Orphanet 1930, MedGen C3553869, MONDO:0013921, OMIM 614850.

Submission:

Labcorp Genetics (formerly Invitae), Labcorp
Classification: Uncertain significance for Encephalopathy, acute, infection-induced (herpes-specific), susceptibility to, 6. Last evaluated: 2021-06-04. Review status: criteria provided, single submitter. Criteria: Invitae Variant Classification Sherloc (09022015). Collection method: clinical testing. Allele origin: germline.
Comment: This variant has not been reported in the literature in individuals with TICAM1-related conditions. Algorithms developed to predict the effect of missense changes on protein structure and function output the following: SIFT: "Tolerated"; PolyPhen-2: "Benign"; Align-GVGD: "Class C0". The isoleucine amino acid residue is found in multiple mammalian species, suggesting that this missense change does not adversely affect protein function. These predictions have not been confirmed by published functional studies and their clinical significance is uncertain. In summary, the available evidence is currently insufficient to determine the role of this variant in disease. Therefore, it has been classified as a Variant of Uncertain Significance. This variant is not present in population databases (ExAC no frequency). This sequence change replaces threonine with isoleucine at codon 296 of the TICAM1 protein (p.Thr296Ile). The threonine residue is moderately conserved and there is a moderate physicochemical difference between threonine and isoleucine.

NM_182919.4(TICAM1):c.887C>T (p.Thr296Ile)

Gene: TICAM1 (TIR domain containing adaptor molecule 1; minus strand). Cytogenetic location: 19p13.3.
Variant type: single nucleotide variant.
Coding change: c.887C>T on transcript NM_182919.4 (MANE Select); coding-DNA position 887, C replaced by T.
Protein change: p.Thr296Ile; replaces threonine 296 with isoleucine.
Molecular consequence: missense variant.
Genome position (GRCh38, 1-based): chr19:4,817,491, G>A on the plus strand (C>T on the coding strand, the complement: TICAM1 is on the minus strand). VCF-style: chr19-4817491-G-A. GRCh37 (hg19) VCF-style: chr19-4817503-G-A.
Other names: c.845C>T, p.Thr282Ile (NM_001385678.1); c.752C>T, p.Thr251Ile (NM_001385679.1); c.245C>T, p.Thr82Ile (NM_001385680.1); short protein forms T282I, T251I, T82I, T296I.
Identifiers: ClinVar variation 1358861 (VCV001358861.8), dbSNP rs2146169940, ClinGen allele CA403491404.